The following is an entry in ClinVar:

NM_000360.4(TH):c.359G>A (p.Arg120Lys)

Gene: TH (tyrosine hydroxylase; minus strand). Cytogenetic location: 11p15.5.
Variant type: single nucleotide variant.
Coding change: c.359G>A on transcript NM_000360.4 (MANE Select); coding-DNA position 359, G replaced by A.
Protein change: p.Arg120Lys; replaces arginine 120 with lysine.
Molecular consequence: missense variant.
Genome position (GRCh38, 1-based): chr11:2,168,619, C>T on the plus strand (G>A on the coding strand, the complement: TH is on the minus strand). VCF-style: chr11-2168619-C-T. GRCh37 (hg19) VCF-style: chr11-2189849-C-T.
Other names: c.452G>A, p.Arg151Lys (NM_199292.3); c.440G>A, p.Arg147Lys (NM_199293.3); short protein forms R151K, R120K, R147K.
Identifiers: ClinVar variation 1954540 (VCV001954540.5), dbSNP rs2495821858, ClinGen allele CA379129249.

ClinVar aggregate classification (germline): Uncertain significance (1 of 4 stars; one submission).

Conditions:
TH-deficient dopa-responsive dystonia. Also called: Tyrosine Hydroxylase-Deficient Dopa-Responsive Dystonia; Segawa syndrome, autosomal recessive; DYT-TH. Identifiers: Orphanet 101150, MedGen C2673535, MONDO:0011551, OMIM 605407.

Submission:

Labcorp Genetics (formerly Invitae), Labcorp
Classification: Uncertain significance for TH-deficient dopa-responsive dystonia. Last evaluated: 2022-07-11. Review status: criteria provided, single submitter. Criteria: Invitae Variant Classification Sherloc (09022015). Collection method: clinical testing. Allele origin: germline.
Comment: In summary, the available evidence is currently insufficient to determine the role of this variant in disease. Therefore, it has been classified as a Variant of Uncertain Significance. Advanced modeling of protein sequence and biophysical properties (such as structural, functional, and spatial information, amino acid conservation, physicochemical variation, residue mobility, and thermodynamic stability) performed at Invitae indicates that this missense variant is not expected to disrupt TH protein function. This variant has not been reported in the literature in individuals affected with TH-related conditions. This variant is not present in population databases (gnomAD no frequency). This sequence change replaces arginine, which is basic and polar, with lysine, which is basic and polar, at codon 151 of the TH protein (p.Arg151Lys).